The following is an entry in ClinVar:

NM_001347721.2(DYRK1A):c.11-15C>G

Gene: DYRK1A (dual specificity tyrosine phosphorylation regulated kinase 1A; plus strand). Cytogenetic location: 21q22.13.
Variant type: single nucleotide variant.
Coding change: c.11-15C>G on transcript NM_001347721.2 (MANE Select); 15 bases into the intron before coding-DNA position 11, C replaced by G.
Molecular consequence: intron variant.
Genome position (GRCh38, 1-based): chr21:37,472,669, C>G. VCF-style: chr21-37472669-C-G. GRCh37 (hg19) VCF-style: chr21-38844971-C-G.
Other names: c.11-15C>G (NM_001396.5, NM_001347722.2, NM_101395.2 and 2 more transcripts); c.-77-15C>G (NM_001347723.2).
Identifiers: ClinVar variation 383616 (VCV000383616.6), dbSNP rs1057521693, ClinGen allele CA16608053.

ClinVar aggregate classification (germline): Conflicting classifications of pathogenicity. Review status: criteria provided, conflicting classifications (1 of 4 stars). 2 submissions from 2 submitters: Uncertain significance (1); Likely benign (1). Last evaluated 2023-08-17.

Conditions:
DYRK1A-related intellectual disability syndrome (MRD7). Also called: Intellectual developmental disorder, autosomal dominant 7; DYRK1A Syndrome. Identifiers: Orphanet 464306, MedGen C5568143, MONDO:0013578, OMIM 614104.

Allele frequency attached by ClinVar (database versions not stated): gnomAD exomes below 0.00001 and 0.00001; TOPMed 0.00001.
gnomAD v4.1: 19 of 1,564,126 alleles (0.0012%); highest among the groups gnomAD compares: Non-Finnish European, 0.0016%; no homozygotes.

Submissions (2):

Labcorp Genetics (formerly Invitae), Labcorp
Classification: Uncertain significance for DYRK1A-related intellectual disability syndrome. Last evaluated: 2023-08-17. Review status: criteria provided, single submitter. Criteria: Invitae Variant Classification Sherloc (09022015). Collection method: clinical testing. Allele origin: germline.
Comment: This sequence change falls in intron 1 of the DYRK1A gene. It does not directly change the encoded amino acid sequence of the DYRK1A protein. In summary, the available evidence is currently insufficient to determine the role of this variant in disease. Therefore, it has been classified as a Variant of Uncertain Significance. Algorithms developed to predict the effect of sequence changes on RNA splicing suggest that this variant may create or strengthen a splice site. ClinVar contains an entry for this variant (Variation ID: 383616). This variant has not been reported in the literature in individuals affected with DYRK1A-related conditions. This variant is present in population databases (no rsID available, gnomAD 0.001%).

GeneDx
Classification: Likely benign. Last evaluated: 2016-02-18. Review status: criteria provided, single submitter. Criteria: GeneDx Variant Classification (06012015). Collection method: clinical testing. Allele origin: germline. Affected: yes.
Comment: This variant is considered likely benign or benign based on one or more of the following criteria: it is a conservative change, it occurs at a poorly conserved position in the protein, it is predicted to be benign by multiple in silico algorithms, and/or has population frequency not consistent with disease.